The following is an entry in ClinVar:

NM_024301.5(FKRP):c.151G>C (p.Val51Leu)

Gene: FKRP (fukutin related protein; plus strand). Cytogenetic location: 19q13.32.
Variant type: single nucleotide variant.
Coding change: c.151G>C on transcript NM_024301.5 (MANE Select); coding-DNA position 151, G replaced by C.
Protein change: p.Val51Leu; replaces valine 51 with leucine.
Molecular consequence: missense variant.
Genome position (GRCh38, 1-based): chr19:46,755,601, G>C. VCF-style: chr19-46755601-G-C. GRCh37 (hg19) VCF-style: chr19-47258858-G-C.
Other names: c.151G>C, p.Val51Leu (NM_001039885.3); c.151G>C (NM_024301.4); short protein forms V51L.
Identifiers: ClinVar variation 2201758 (VCV002201758.3), dbSNP rs769377092, ClinGen allele CA406494760.
Genomic context (GRCh38, chr19:46,755,601, plus strand): 5'-CCTAGGAATTCCCGGGCCCGGGGGCCCCGTCGTGCCTCTGCTGCCGGCCCCCGTGTCACC[G>C]TCCTGGTGCGGGAGTTCGAGGCATTTGACAACGCGGTGCCCGAGCTGGTAGACTCCTTCC-3'
Protein context (NP_077277.1, residues 41-61): RASAAGPRVT[Val51Leu]LVREFEAFDN

ClinVar aggregate classification (germline): Uncertain significance. Review status: criteria provided, multiple submitters, no conflicts (2 of 4 stars). 2 submissions from 2 submitters: Uncertain significance (2). Last evaluated 2023-03-24.

Conditions:
Cardiovascular phenotype. Identifiers: MedGen CN230736.
Walker-Warburg congenital muscular dystrophy. Also called: Muscular dystrophy-dystroglycanopathy, type A; Walker-Warburg syndrome. Identifiers: Orphanet 899, MedGen C0265221, MONDO:0000171.

gnomAD v4.1: 1 of 1,605,856 alleles (0.000062%); highest among the groups gnomAD compares: East Asian, 0.0022%; no homozygotes.

Submissions (2):

Ambry Genetics
Classification: Uncertain significance for Cardiovascular phenotype. Last evaluated: 2023-03-24. Review status: criteria provided, single submitter. Criteria: Ambry Variant Classification Scheme 2023. Collection method: clinical testing. Allele origin: germline.
Comment: The p.V51L variant (also known as c.151G>C), located in coding exon 1 of the FKRP gene, results from a G to C substitution at nucleotide position 151. The valine at codon 51 is replaced by leucine, an amino acid with highly similar properties. This amino acid position is not well conserved in available vertebrate species. In addition, the in silico prediction for this alteration is inconclusive. Since supporting evidence is limited at this time, the clinical significance of this alteration remains unclear.

Labcorp Genetics (formerly Invitae), Labcorp
Classification: Uncertain significance for Walker-Warburg congenital muscular dystrophy. Last evaluated: 2022-03-18. Review status: criteria provided, single submitter. Criteria: Invitae Variant Classification Sherloc (09022015). Collection method: clinical testing. Allele origin: germline.
Comment: This sequence change replaces valine, which is neutral and non-polar, with leucine, which is neutral and non-polar, at codon 51 of the FKRP protein (p.Val51Leu). This variant is present in population databases (no rsID available, gnomAD 0.006%). This variant has not been reported in the literature in individuals affected with FKRP-related conditions. Algorithms developed to predict the effect of missense changes on protein structure and function are either unavailable or do not agree on the potential impact of this missense change (SIFT: "Deleterious"; PolyPhen-2: "Benign"; Align-GVGD: "Class C0"). This variant disrupts the p.Val51 amino acid residue in FKRP. Other variant(s) that disrupt this residue have been determined to be pathogenic (PMID: 27439679, 30107846). This suggests that this residue is clinically significant, and that variants that disrupt this residue are likely to be disease-causing. In summary, the available evidence is currently insufficient to determine the role of this variant in disease. Therefore, it has been classified as a Variant of Uncertain Significance.

Literature cited by the submitters: PubMed 27439679 (cited by Labcorp Genetics (formerly Invitae), Labcorp); PubMed 30107846 (cited by Labcorp Genetics (formerly Invitae), Labcorp).